The following is an entry in ClinVar:

ClinVar aggregate classification (germline): Uncertain significance (1 of 4 stars; one submission).

gnomAD v4.1: 1 of 1,613,766 alleles (0.000062%); highest among the groups gnomAD compares: South Asian, 0.0011%; no homozygotes.

Submission:

Ambry Genetics
Classification: Uncertain significance. Last evaluated: 2026-03-23. Review status: criteria provided, single submitter. Criteria: Ambry Variant Classification Scheme 2023. Collection method: clinical testing. Allele origin: germline.
Comment: The c.2210C>G (p.T737S) alteration is located in exon 17 (coding exon 16) of the KDM2A gene. This alteration results from a C to G substitution at nucleotide position 2210, causing the threonine (T) at amino acid position 737 to be replaced by a serine (S). Based on data from gnomAD, the G allele has an overall frequency of <0.001% (1/248694) total alleles studied. The highest observed frequency was 0.001% (1/112696) of European (non-Finnish) alleles. Based on insufficient or conflicting evidence, the clinical significance of this alteration remains unclear.

NM_012308.3(KDM2A):c.2210C>G (p.Thr737Ser)

Gene: KDM2A (lysine demethylase 2A; plus strand). Cytogenetic location: 11q13.2.
Variant type: single nucleotide variant.
Coding change: c.2210C>G on transcript NM_012308.3 (MANE Select); coding-DNA position 2210, C replaced by G.
Protein change: p.Thr737Ser; replaces threonine 737 with serine.
Molecular consequence: missense variant. On other transcripts: non-coding transcript variant (1).
Genome position (GRCh38, 1-based): chr11:67,250,240, C>G. VCF-style: chr11-67250240-C-G. GRCh37 (hg19) VCF-style: chr11-67017711-C-G.
Other names: c.893C>G, p.Thr298Ser (NM_001256405.2); short protein forms T298S, T737S.
Identifiers: ClinVar variation 4858764 (VCV004858764.1).